The following is an entry in ClinVar:

ClinVar aggregate classification (germline): Uncertain significance (1 of 4 stars; one submission).

Conditions:
Renal cell carcinoma. Identifiers: Orphanet 217071, MedGen C0007134, MeSH D002292, MONDO:0005086, HP:0005584.

Submission:

Labcorp Genetics (formerly Invitae), Labcorp
Classification: Uncertain significance for Renal cell carcinoma. Last evaluated: 2025-08-01. Review status: criteria provided, single submitter. Criteria: Invitae Variant Classification Sherloc (09022015). Collection method: clinical testing. Allele origin: germline.
Comment: This sequence change creates a premature translational stop signal (p.Leu496*) in the MET gene. It is expected to result in an absent or disrupted protein product. However, the current clinical and genetic evidence is not sufficient to establish whether loss-of-function variants in MET cause disease. This variant is not present in population databases (gnomAD no frequency). This variant has not been reported in the literature in individuals affected with MET-related conditions. In summary, the available evidence is currently insufficient to determine the role of this variant in disease. Therefore, it has been classified as a Variant of Uncertain Significance.

NM_000245.4(MET):c.1487T>G (p.Leu496Ter)

Gene: MET (MET proto-oncogene, receptor tyrosine kinase; plus strand). Cytogenetic location: 7q31.2.
Variant type: single nucleotide variant.
Coding change: c.1487T>G on transcript NM_000245.4 (MANE Select); coding-DNA position 1487, T replaced by G.
Protein change: p.Leu496Ter; replaces leucine 496 with a stop codon.
Molecular consequence: nonsense.
Genome position (GRCh38, 1-based): chr7:116,740,044, T>G. VCF-style: chr7-116740044-T-G. GRCh37 (hg19) VCF-style: chr7-116380098-T-G.
Other names: c.1487T>G, p.Leu496Ter (NM_001127500.3, NM_001324401.3); c.197T>G, p.Leu66Ter (NM_001324402.2); short protein forms L496*, L66*.
Identifiers: ClinVar variation 4716855 (VCV004716855.1).